The following is an entry in ClinVar:

ClinVar aggregate classification (germline): Benign (3 of 4 stars; one submission).

Conditions:
Breast-ovarian cancer, familial, susceptibility to, 2 (BROVCA2). Also called: BRCA2 Hereditary Breast and Ovarian Cancer. Identifiers: Orphanet 145, MedGen C2675520, MONDO:0012933, OMIM 612555. Disease mechanism: loss of function.

Submission:

Evidence-based Network for the Interpretation of Germline Mutant Alleles (ENIGMA)
Classification: Benign for Breast-ovarian cancer, familial, susceptibility to, 2. Last evaluated: 2016-09-28. Review status: reviewed by expert panel. Criteria: ENIGMA BRCA1/2 Classification Criteria (2015). Collection method: curation. Allele origin: germline.
Comment: Class 1 not pathogenic based on frequency >1% in an outbred sampleset. Frequency 0.0227 (African), derived from 1000 genomes (2013-05-02).

NM_000059.4(BRCA2):c.316+314_316+318del

Gene: BRCA2 (BRCA2 DNA repair associated; plus strand). Cytogenetic location: 13q13.1.
Variant type: Microsatellite.
Coding change: c.316+314_316+318del on transcript NM_000059.4 (MANE Select); bases 314 to 318 of the intron after coding-DNA position 316, 5 bases deleted (AACTA; older notation c.316+314_316+318delAACTA).
Molecular consequence: intron variant.
Genome position (GRCh38, 1-based): chr13:32,319,639-32,319,643, AACTA deleted; deleting any 5 consecutive bases within chr13:32,319,632-32,319,643 gives the same sequence; the c. name uses the placement nearest the transcript's 3' end. VCF-style (leftmost placement, unchanged base first): chr13-32319631-TTAAAC-T. GRCh37 (hg19) VCF-style: chr13-32893768-TTAAAC-T.
Identifiers: ClinVar variation 264911 (VCV000264911.1), dbSNP rs367590748, ClinGen allele CA10588066.